The following is an entry in ClinVar:

ClinVar aggregate classification (germline): Benign/Likely benign. Review status: criteria provided, multiple submitters, no conflicts (2 of 4 stars). 3 submissions from 3 submitters: Benign (1); Likely benign (2). Last evaluated 2025-06-23.

Conditions:
Hereditary diffuse gastric adenocarcinoma (HDGC). Also called: DIFFUSE GASTRIC AND LOBULAR BREAST CANCER SYNDROME. Identifiers: Orphanet 26106, MedGen C1708349, MONDO:0007648, OMIM 137215.
Hereditary cancer-predisposing syndrome. Also called: Tumor predisposition; Hereditary Cancer Syndrome; Hereditary neoplastic syndrome; Neoplastic Syndromes, Hereditary. Identifiers: Orphanet 140162, MedGen C0027672, MeSH D009386, MONDO:0015356.

gnomAD v4.1: 4 of 1,614,014 alleles (0.00025%); highest among the groups gnomAD compares: Non-Finnish European, 0.00034%; no homozygotes.

Submissions (3):

Ambry Genetics
Classification: Likely benign for Hereditary cancer-predisposing syndrome. Last evaluated: 2025-06-23. Review status: criteria provided, single submitter. Criteria: Ambry Variant Classification Scheme 2023. Collection method: clinical testing. Allele origin: germline.

Myriad Genetics, Inc.
Classification: Benign for Hereditary diffuse gastric adenocarcinoma. Last evaluated: 2024-09-19. Review status: criteria provided, single submitter. Criteria: Myriad Autosomal Dominant, Autosomal Recessive and X-Linked Classification Criteria (2023). Collection method: clinical testing. Allele origin: unknown.
Comment: This variant is considered benign. This variant is a silent/synonymous amino acid change and it is not expected to impact splicing.

Labcorp Genetics (formerly Invitae), Labcorp
Classification: Likely benign for Hereditary diffuse gastric adenocarcinoma. Last evaluated: 2021-03-20. Review status: criteria provided, single submitter. Criteria: Invitae Variant Classification Sherloc (09022015). Collection method: clinical testing. Allele origin: germline.

NM_004360.5(CDH1):c.1662G>A (p.Glu554=)

Gene: CDH1 (cadherin 1; plus strand). Cytogenetic location: 16q22.1.
Variant type: single nucleotide variant.
Coding change: c.1662G>A on transcript NM_004360.5 (MANE Select); coding-DNA position 1662, G replaced by A.
Protein change: p.Glu554=; no amino-acid change (glutamic acid 554 retained).
Molecular consequence: synonymous variant. On other transcripts: intron variant (1).
Genome position (GRCh38, 1-based): chr16:68,819,376, G>A. VCF-style: chr16-68819376-G-A. GRCh37 (hg19) VCF-style: chr16-68853279-G-A.
Other names: c.1662G>A (NM_004360.3); c.1479G>A, p.Glu493= (NM_001317184.2); c.114G>A, p.Glu38= (NM_001317185.2); c.-254-2625G>A (NM_001317186.2).
Identifiers: ClinVar variation 1542329 (VCV001542329.10), dbSNP rs2152136943, ClinGen allele CA496154404.